The following is an entry in ClinVar:

NM_005570.4(LMAN1):c.*2405C>A

Gene: LMAN1 (lectin, mannose binding 1; minus strand). Cytogenetic location: 18q21.32.
Variant type: single nucleotide variant.
Coding change: c.*2405C>A on transcript NM_005570.4 (MANE Select); 2405 bases downstream of the stop codon, C replaced by A.
Molecular consequence: 3 prime UTR variant.
Genome position (GRCh38, 1-based): chr18:59,328,688, G>T on the plus strand (C>A on the coding strand, the complement: LMAN1 is on the minus strand). VCF-style: chr18-59328688-G-T. GRCh37 (hg19) VCF-style: chr18-56995920-G-T.
Identifiers: ClinVar variation 327544 (VCV000327544.6), dbSNP rs34753206, ClinGen allele CA10651176.

ClinVar aggregate classification (germline): Benign. Review status: criteria provided, multiple submitters, no conflicts (2 of 4 stars). 2 submissions from 2 submitters: Benign (2). Last evaluated 2018-01-12.

Conditions:
Factor V and factor VIII, combined deficiency of, type 1. Also called: Combined factor V and VIII deficiency; FAMILIAL MULTIPLE COAGULATION FACTOR DEFICIENCY I; MULTIPLE COAGULATION FACTOR DEFICIENCY I; FMFD I. Identifiers: Orphanet 35909, MedGen C4551981, MONDO:0009206, OMIM 227300.

Allele frequency attached by ClinVar (database versions not stated): gnomAD 0.05433 and 0.05461; 1000 Genomes Project 30x 0.03435; 1000 Genomes Project 0.03494; TOPMed 0.05359.

Submissions (2):

Illumina Laboratory Services, Illumina
Classification: Benign for Factor V and factor VIII, combined deficiency of, type 1. Last evaluated: 2018-01-12. Review status: criteria provided, single submitter. Criteria: ICSL Variant Classification Criteria 13 December 2019. Collection method: clinical testing. Allele origin: germline.
Comment: This variant was observed in the ICSL laboratory as part of a predisposition screen in an ostensibly healthy population. It had not been previously curated by ICSL or reported in the Human Gene Mutation Database (HGMD: prior to June 1st, 2018), and was therefore a candidate for classification through an automated scoring system. Utilizing variant allele frequency, disease prevalence and penetrance estimates, and inheritance mode, an automated score was calculated to assess if this variant is too frequent to cause the disease. Based on the score and internal cut-off values, a variant classified as benign is not then subjected to further curation. The score for this variant resulted in a classification of benign for this disease.

Breakthrough Genomics
Classification: Benign. Review status: criteria provided, single submitter. Criteria: ACMG Guidelines, 2015. Collection method: not provided. Allele origin: germline. Inheritance: Autosomal recessive inheritance. Affected: yes.